The following is an entry in ClinVar:

NM_001231.5(CASQ1):c.38C>T (p.Pro13Leu)

Gene: CASQ1 (calsequestrin 1; plus strand). Cytogenetic location: 1q23.2.
Variant type: single nucleotide variant.
Coding change: c.38C>T on transcript NM_001231.5 (MANE Select); coding-DNA position 38, C replaced by T.
Protein change: p.Pro13Leu; replaces proline 13 with leucine.
Molecular consequence: missense variant.
Genome position (GRCh38, 1-based): chr1:160,190,789, C>T. VCF-style: chr1-160190789-C-T. GRCh37 (hg19) VCF-style: chr1-160160579-C-T.
Other names: c.38C>T (NM_001231.4); short protein forms P13L.
Identifiers: ClinVar variation 2076216 (VCV002076216.5), dbSNP rs539542291, ClinGen allele CA1196056.

ClinVar aggregate classification (germline): Uncertain significance. Review status: criteria provided, multiple submitters, no conflicts (2 of 4 stars). 2 submissions from 2 submitters: Uncertain significance (2). Last evaluated 2025-04-13.

Conditions:
Inborn genetic diseases. Identifiers: MedGen C0950123, MeSH D030342.

Allele frequency attached by ClinVar (database versions not stated): gnomAD exomes 0.00003; ExAC 0.00009; gnomAD 0.00004; 1000 Genomes Project 0.00020; TOPMed below 0.00001; 1000 Genomes Project 30x 0.00016.
gnomAD v4.1: 54 of 1,614,114 alleles (0.0033%); highest among the groups gnomAD compares: South Asian, 0.048%; no homozygotes.

Submissions (2):

Ambry Genetics
Classification: Uncertain significance for Inborn genetic diseases. Last evaluated: 2025-04-13. Review status: criteria provided, single submitter. Criteria: Ambry Variant Classification Scheme 2023. Collection method: clinical testing. Allele origin: germline.

Labcorp Genetics (formerly Invitae), Labcorp
Classification: Uncertain significance. Last evaluated: 2024-01-18. Review status: criteria provided, single submitter. Criteria: Invitae Variant Classification Sherloc (09022015). Collection method: clinical testing. Allele origin: germline.
Comment: This sequence change replaces proline, which is neutral and non-polar, with leucine, which is neutral and non-polar, at codon 13 of the CASQ1 protein (p.Pro13Leu). This variant is present in population databases (rs539542291, gnomAD 0.04%), and has an allele count higher than expected for a pathogenic variant. This variant has not been reported in the literature in individuals affected with CASQ1-related conditions. ClinVar contains an entry for this variant (Variation ID: 2076216). Algorithms developed to predict the effect of missense changes on protein structure and function output the following: SIFT: "Not Available"; PolyPhen-2: "Possibly Damaging"; Align-GVGD: "Not Available". The leucine amino acid residue is found in multiple mammalian species, which suggests that this missense change does not adversely affect protein function. In summary, the available evidence is currently insufficient to determine the role of this variant in disease. Therefore, it has been classified as a Variant of Uncertain Significance.